The following is an entry in ClinVar:

ClinVar aggregate classification (germline): Uncertain significance (1 of 4 stars; one submission).

Conditions:
Bloom syndrome (BLM). Also called: Bloom-Torre-Machacek syndrome. Identifiers: Orphanet 125, MedGen C0005859, MONDO:0008876, OMIM 210900.

Submission:

Labcorp Genetics (formerly Invitae), Labcorp
Classification: Uncertain significance for Bloom syndrome. Last evaluated: 2020-03-08. Review status: criteria provided, single submitter. Criteria: Invitae Variant Classification Sherloc (09022015). Collection method: clinical testing. Allele origin: germline.
Comment: In summary, the available evidence is currently insufficient to determine the role of this variant in disease. Therefore, it has been classified as a Variant of Uncertain Significance. Algorithms developed to predict the effect of missense changes on protein structure and function (SIFT, PolyPhen-2, Align-GVGD) all suggest that this variant is likely to be tolerated, but these predictions have not been confirmed by published functional studies and their clinical significance is uncertain. This variant has not been reported in the literature in individuals with BLM-related conditions. This variant is not present in population databases (ExAC no frequency). This sequence change replaces asparagine with lysine at codon 62 of the BLM protein (p.Asn62Lys). The asparagine residue is weakly conserved and there is a moderate physicochemical difference between asparagine and lysine.

NM_000057.4(BLM):c.186T>A (p.Asn62Lys)

Gene: BLM (BLM RecQ like helicase; plus strand). Cytogenetic location: 15q26.1.
Variant type: single nucleotide variant.
Coding change: c.186T>A on transcript NM_000057.4 (MANE Select); coding-DNA position 186, T replaced by A.
Protein change: p.Asn62Lys; replaces asparagine 62 with lysine.
Molecular consequence: missense variant. On other transcripts: 5 prime UTR variant (1).
Genome position (GRCh38, 1-based): chr15:90,749,454, T>A. VCF-style: chr15-90749454-T-A. GRCh37 (hg19) VCF-style: chr15-91292684-T-A.
Other names: c.186T>A, p.Asn62Lys (NM_001287246.2, NM_001287247.2); c.-1106T>A (NM_001287248.2); short protein forms N62K.
Identifiers: ClinVar variation 1058242 (VCV001058242.9), dbSNP rs146735953, ClinGen allele CA393839629.